The following is an entry in ClinVar:

ClinVar aggregate classification (germline): Pathogenic/Likely pathogenic. Review status: criteria provided, multiple submitters, no conflicts (2 of 4 stars). 2 submissions from 2 submitters: Pathogenic (1); Likely pathogenic (1). Last evaluated 2023-08-02.

Conditions:
GM1 gangliosidosis. Identifiers: Orphanet 354, MedGen C0085131, MONDO:0018149.
Mucopolysaccharidosis, MPS-IV-B (MPS4B). Also called: MORQUIO SYNDROME B; Mucopolysaccharidosis Type IVB (Morquio B Disease); Mucopolysaccharidosis type 4B; Mucopolysaccharidosis type IVB (Morquio); MPS IVB; Mucopolysaccharidosis type IV B. Identifiers: Orphanet 309310, Orphanet 582, MedGen C0086652, MONDO:0009660, OMIM 253010.
GM1 gangliosidosis type 2. Also called: GM1-GANGLIOSIDOSIS, TYPE II; GANGLIOSIDOSIS, GENERALIZED GM1, JUVENILE TYPE; GANGLIOSIDOSIS, GENERALIZED GM1, TYPE II; Juvenile GM>1< gangliosidosis; Gangliosidosis, Generalized GM1, Type 2. Identifiers: Orphanet 354, Orphanet 79256, MedGen C0268272, MONDO:0009261, OMIM 230600.
Infantile GM1 gangliosidosis. Also called: GM1-gangliosidosis, type I; Gangliosidosis, generalized GM1, infantile form; GLB1 deficiency; GM1 gangliosidosis type 1; Gangliosidosis, Generalized GM1, Type 1. Identifiers: Orphanet 354, Orphanet 79255, MedGen C0268271, MONDO:0009260, OMIM 230500.
GM1 gangliosidosis type 3. Also called: GM1-GANGLIOSIDOSIS, TYPE III; GANGLIOSIDOSIS, GENERALIZED GM1, ADULT TYPE; GANGLIOSIDOSIS, GENERALIZED GM1, CHRONIC TYPE; GANGLIOSIDOSIS, GENERALIZED GM1, TYPE III; Beta-galactosidase deficiency; Adult GM1 gangliosidosis. Identifiers: Orphanet 79257, MedGen C0268273, MONDO:0009262, OMIM 230650.

Submissions (2):

Labcorp Genetics (formerly Invitae), Labcorp
Classification: Pathogenic for Mucopolysaccharidosis, MPS-IV-B; GM1 gangliosidosis. Last evaluated: 2023-08-02. Review status: criteria provided, single submitter. Criteria: Invitae Variant Classification Sherloc (09022015). Collection method: clinical testing. Allele origin: germline.
Comment: This variant is not present in population databases (gnomAD no frequency). This variant has not been reported in the literature in individuals affected with GLB1-related conditions. Algorithms developed to predict the effect of sequence changes on RNA splicing suggest that this variant may disrupt the consensus splice site. For these reasons, this variant has been classified as Pathogenic. This sequence change creates a premature translational stop signal (p.Gln411*) in the GLB1 gene. It is expected to result in an absent or disrupted protein product. Loss-of-function variants in GLB1 are known to be pathogenic (PMID: 18524657).

Juno Genomics, Hangzhou Juno Genomics, Inc
Classification: Likely pathogenic for Infantile GM1 gangliosidosis; GM1 gangliosidosis type 2; GM1 gangliosidosis type 3; Mucopolysaccharidosis, MPS-IV-B. Review status: criteria provided, single submitter. Criteria: ACMG Guidelines, 2015. Collection method: clinical testing. Allele origin: germline.
Comment: Null variant in a gene where loss of function (LOF) is a known mechanism of disease.;Absent from controls (or at extremely low frequency if recessive) in Genome Aggregation Database.

Literature cited by the submitters: PubMed 18524657 (cited by Labcorp Genetics (formerly Invitae), Labcorp).

NM_000404.4(GLB1):c.1231C>T (p.Gln411Ter)

Gene: GLB1 (galactosidase beta 1; minus strand). Cytogenetic location: 3p22.3.
Variant type: single nucleotide variant.
Coding change: c.1231C>T on transcript NM_000404.4 (MANE Select); coding-DNA position 1231, C replaced by T.
Protein change: p.Gln411Ter; replaces glutamine 411 with a stop codon.
Molecular consequence: nonsense.
Genome position (GRCh38, 1-based): chr3:33,021,568, G>A on the plus strand (C>T on the coding strand, the complement: GLB1 is on the minus strand). VCF-style: chr3-33021568-G-A. GRCh37 (hg19) VCF-style: chr3-33063060-G-A.
Other names: c.1141C>T, p.Gln381Ter (NM_001079811.3); c.838C>T, p.Gln280Ter (NM_001135602.3); c.1375C>T, p.Gln459Ter (NM_001317040.2); c.1231C>T, p.Gln411Ter (NM_001393580.1); short protein forms Q411*, Q280*, Q381*, Q459*.
Identifiers: ClinVar variation 2950588 (VCV002950588.5), dbSNP rs2471270710, ClinGen allele CA351992816.